The following is an entry in ClinVar:

NM_000187.4(HGD):c.1006+6T>C

Gene: HGD (homogentisate 1,2-dioxygenase; minus strand). Cytogenetic location: 3q13.33.
Variant type: single nucleotide variant.
Coding change: c.1006+6T>C on transcript NM_000187.4 (MANE Select); 6 bases into the intron after coding-DNA position 1006, T replaced by C.
Molecular consequence: intron variant.
Genome position (GRCh38, 1-based): chr3:120,638,449, A>G on the plus strand (T>C on the coding strand, the complement: HGD is on the minus strand). VCF-style: chr3-120638449-A-G. GRCh37 (hg19) VCF-style: chr3-120357296-A-G.
Identifiers: ClinVar variation 2584773 (VCV002584773.2), dbSNP rs1576289072, ClinGen allele CA1397093063.
Genomic context (GRCh38, chr3:120,638,449, plus strand): 5'-GTGTAGCGCTCACTGCTTTGTTGTCTCTTTGGCTTGCAAATGTGGCTTGGTAAAAGAGAG[A>G]CTTACTATGGTAATAAGGAGGCCTGAAGGTCTTATCAGCAACCCCCCATCGAGGTGGGAA-3'

ClinVar aggregate classification (germline): Pathogenic (0 of 4 stars; one submission).

Conditions:
Alkaptonuria (AKU). Also called: Alkaptonuric ochronosis; Homogentisic acidura; HOMOGENTISIC ACID OXIDASE DEFICIENCY; Alcaptonuria. Identifiers: Orphanet 56, MedGen C0002066, MONDO:0008753, OMIM 203500.

Submission:

Department Of Human Genetics, Institute Of Clinical And Translational Research, Biomedical Research Center, Slovak Academy Of Sciences
Classification: Pathogenic for Alkaptonuria. Review status: no assertion criteria provided. Collection method: research. Allele origin: germline. Inheritance: Autosomal recessive inheritance. Observed: 1 variant allele.
Comment: The variant was originally described in PMID:35550814. It has been submitted to the HGD gene mutation database (DB-ID: AKU_00212).

Literature cited by the submitters: PubMed 35550814.